The following is an entry in ClinVar:

ClinVar aggregate classification (germline): Likely pathogenic (1 of 4 stars; one submission).

Allele frequency attached by ClinVar (database versions not stated): gnomAD exomes below 0.00001.

Submission:

GeneDx
Classification: Likely pathogenic. Last evaluated: 2017-04-05. Review status: criteria provided, single submitter. Criteria: GeneDx Variant Classification (06012015). Collection method: clinical testing. Allele origin: germline. Affected: yes.
Comment: The S250X variant is not observed in large population cohorts (Lek et al., 2016; 1000 Genomes Consortium et al., 2015; Exome Variant Server). This variant is predicted to cause loss of normal protein function either through protein truncation or nonsense-mediated mRNA decay. Although S250X has not been previously reported to our knowledge, other nonsense variants in the COL6A3 gene have been reported in the Human Gene Mutation Database in association with COL6A3-related disorders (Stenson et al., 2014).

NM_004369.4(COL6A3):c.749C>A (p.Ser250Ter)

Gene: COL6A3 (collagen type VI alpha 3 chain; minus strand). Cytogenetic location: 2q37.3.
Variant type: single nucleotide variant.
Coding change: c.749C>A on transcript NM_004369.4 (MANE Select); coding-DNA position 749, C replaced by A.
Protein change: p.Ser250Ter; replaces serine 250 with a stop codon.
Molecular consequence: nonsense. On other transcripts: intron variant (2).
Genome position (GRCh38, 1-based): chr2:237,388,145, G>T on the plus strand (C>A on the coding strand, the complement: COL6A3 is on the minus strand). VCF-style: chr2-237388145-G-T. GRCh37 (hg19) VCF-style: chr2-238296788-G-T.
Other names: c.131C>A, p.Ser44Ter (NM_057165.5, NM_057167.4); c.92-6646C>A (NM_057166.5, NM_057164.5); short protein forms S250*, S44*.
Identifiers: ClinVar variation 426747 (VCV000426747.2), dbSNP rs1085307777, ClinGen allele CA351224129.